The following is an entry in ClinVar:

ClinVar aggregate classification (germline): Uncertain significance. Review status: criteria provided, multiple submitters, no conflicts (2 of 4 stars). 3 submissions from 3 submitters: Uncertain significance (3). Last evaluated 2024-07-22.

Conditions:
Neuropathy, hereditary sensory, type 1F. Also called: HSN IF; Hereditary sensory neuropathy type IF. Identifiers: Orphanet 36386, MedGen C3810194, MONDO:0014286, OMIM 615632.
Inborn genetic diseases. Identifiers: MedGen C0950123, MeSH D030342.

Allele frequency attached by ClinVar (database versions not stated): gnomAD 0.00001 and 0.00002; gnomAD exomes 0.00002; TOPMed 0.00003.
gnomAD v4.1: 48 of 1,611,734 alleles (0.003%); highest among the groups gnomAD compares: Non-Finnish European, 0.0037%; no homozygotes.

Submissions (3):

Labcorp Genetics (formerly Invitae), Labcorp
Classification: Uncertain significance for Neuropathy, hereditary sensory, type 1F. Last evaluated: 2024-07-22. Review status: criteria provided, single submitter. Criteria: Invitae Variant Classification Sherloc (09022015). Collection method: clinical testing. Allele origin: germline.
Comment: This sequence change replaces tyrosine, which is neutral and polar, with aspartic acid, which is acidic and polar, at codon 221 of the ATL3 protein (p.Tyr221Asp). This variant is present in population databases (no rsID available, gnomAD 0.004%). This variant has not been reported in the literature in individuals affected with ATL3-related conditions. ClinVar contains an entry for this variant (Variation ID: 384089). Advanced modeling of protein sequence and biophysical properties (such as structural, functional, and spatial information, amino acid conservation, physicochemical variation, residue mobility, and thermodynamic stability) performed at Invitae indicates that this missense variant is not expected to disrupt ATL3 protein function with a negative predictive value of 80%. In summary, the available evidence is currently insufficient to determine the role of this variant in disease. Therefore, it has been classified as a Variant of Uncertain Significance.

Ambry Genetics
Classification: Uncertain significance for Inborn genetic diseases. Last evaluated: 2023-05-09. Review status: criteria provided, single submitter. Criteria: Ambry Variant Classification Scheme 2023. Collection method: clinical testing. Allele origin: germline.

GeneDx
Classification: Uncertain significance. Last evaluated: 2016-02-27. Review status: criteria provided, single submitter. Criteria: GeneDx Variant Classification (06012015). Collection method: clinical testing. Allele origin: germline. Affected: yes.
Comment: The Y221D variant in the ATL3 gene has not been reported previously as a pathogenic variant, nor as a benign variant, to our knowledge. The Y221D variant was not observed in approximately 5900 individuals of European and African American ancestry in the NHLBI Exome Sequencing Project, indicating it is not a common benign variant in these populations. The Y221D variant is a non-conservative amino acid substitution, which is likely to impact secondary protein structure as these residues differ in polarity, charge, size and/or other properties. However, this substitution occurs at a position that is not conserved across species, and in silico analysis is inconsistent in its predictions as to whether or not the variant is damaging to the protein structure/function. We interpret Y221D as a variant of uncertain significance

NM_015459.5(ATL3):c.661T>G (p.Tyr221Asp)

Genes: ATL3 (atlastin GTPase 3; minus strand), LNCROPM (lncRNA regulator of PLAAT3 mediated phospholipid metabolism; plus strand). Cytogenetic location: 11q13.1.
Variant type: single nucleotide variant.
Coding change: c.661T>G on transcript NM_015459.5 (MANE Select); coding-DNA position 661, T replaced by G.
Protein change: p.Tyr221Asp; replaces tyrosine 221 with aspartic acid.
Molecular consequence: missense variant.
Genome position (GRCh38, 1-based): chr11:63,644,219, A>C on the plus strand (T>G on the coding strand, the complement: ATL3 is on the minus strand). VCF-style: chr11-63644219-A-C. GRCh37 (hg19) VCF-style: chr11-63411691-A-C.
Other names: c.607T>G, p.Tyr203Asp (NM_001290048.2); short protein forms Y203D, Y221D.
Identifiers: ClinVar variation 384089 (VCV000384089.13), dbSNP rs1045392653, ClinGen allele CA16606271.
Genomic context (GRCh38, chr11:63,644,219, plus strand): 5'-TCCCACTTACCTGTAAACGCTTATCCAAAAATGCCATTCCTCCTTGGAGTCCATAGCTAT[A>C]TTCATAAGGGAAACTCCAATCTCTAACCAAAAACATCAGTGTCTATTTAAGAAAAGAGCG-3'
Protein context (NP_056274.3, residues 211-231): LVRDWSFPYE[Tyr221Asp]SYGLQGGMAF